The following is an entry in ClinVar:

NM_007294.4(BRCA1):c.2967T>G (p.Phe989Leu)

Gene: BRCA1 (BRCA1 DNA repair associated; minus strand). Cytogenetic location: 17q21.31.
Variant type: single nucleotide variant.
Coding change: c.2967T>G on transcript NM_007294.4 (MANE Select); coding-DNA position 2967, T replaced by G.
Protein change: p.Phe989Leu; replaces phenylalanine 989 with leucine.
Molecular consequence: missense variant. On other transcripts: intron variant (137).
Genome position (GRCh38, 1-based): chr17:43,092,564, A>C on the plus strand (T>G on the coding strand, the complement: BRCA1 is on the minus strand). VCF-style: chr17-43092564-A-C. GRCh37 (hg19) VCF-style: chr17-41244581-A-C.
Other names: c.2754T>G, p.Phe918Leu (NM_001407571.1, NM_001407915.1, NM_001407916.1 and 9 more transcripts); c.2967T>G, p.Phe989Leu (NM_001407581.1, NM_001407582.1, NM_001407583.1 and 30 more transcripts); c.2964T>G, p.Phe988Leu (NM_001407587.1, NM_001407590.1, NM_001407591.1 and 22 more transcripts); c.2889T>G, p.Phe963Leu (NM_001407654.1, NM_001407655.1, NM_001407656.1 and 4 more transcripts); c.2886T>G, p.Phe962Leu (NM_001407659.1, NM_001407660.1, NM_001407661.1 and 1 more transcripts); c.2841T>G, p.Phe947Leu (NM_001407673.1, NM_001407649.1, NM_001407670.1 and 11 more transcripts); c.2844T>G, p.Phe948Leu (NM_001407674.1, NM_001407675.1, NM_001407676.1 and 19 more transcripts); c.2826T>G, p.Phe942Leu (NM_001407692.1, NM_001407694.1, NM_001407695.1 and 29 more transcripts); and 41 more; short protein forms F989L, F942L, F918L, F962L, F963L, F821L, F861L, F877L.
Identifiers: ClinVar variation 822379 (VCV000822379.10), dbSNP rs876659270, ClinGen allele CA10596064.

ClinVar aggregate classification (germline): Conflicting classifications of pathogenicity. Review status: criteria provided, conflicting classifications (1 of 4 stars). 3 submissions from 3 submitters: Uncertain significance (2); Likely benign (1). Last evaluated 2025-12-22.

Conditions:
Hereditary cancer-predisposing syndrome. Also called: Tumor predisposition; Neoplastic Syndromes, Hereditary; Hereditary Cancer Syndrome; Hereditary neoplastic syndrome. Identifiers: Orphanet 140162, MedGen C0027672, MeSH D009386, MONDO:0015356.

Submissions (3):

Ambry Genetics
Classification: Uncertain significance for Hereditary cancer-predisposing syndrome. Last evaluated: 2025-12-22. Review status: criteria provided, single submitter. Criteria: Ambry Variant Classification Scheme 2023. Collection method: clinical testing. Allele origin: germline.
Comment: The p.F989L variant (also known as c.2967T>G), located in coding exon 9 of the BRCA1 gene, results from a T to G substitution at nucleotide position 2967. The phenylalanine at codon 989 is replaced by leucine, an amino acid with highly similar properties. This amino acid position is poorly conserved in available vertebrate species. In addition, this alteration is predicted to be tolerated by in silico analysis. Since supporting evidence is limited at this time, the clinical significance of this alteration remains unclear.

Color Diagnostics, LLC DBA Color Health
Classification: Uncertain significance for Hereditary cancer-predisposing syndrome. Last evaluated: 2023-07-24. Review status: criteria provided, single submitter. Criteria: ACMG Guidelines, 2015. Collection method: clinical testing. Allele origin: germline.
Comment: This missense variant replaces phenylalanine with leucine at codon 989 of the BRCA1 protein. Computational prediction suggests that this variant may not impact protein structure and function (internally defined REVEL score threshold <= 0.5, PMID: 27666373). To our knowledge, functional studies have not been reported for this variant. This variant has been reported in an individual with a personal and/or family history of cancer (PMID: 21218378). This variant has not been identified in the general population by the Genome Aggregation Database (gnomAD). The available evidence is insufficient to determine the role of this variant in disease conclusively. Therefore, this variant is classified as a Variant of Uncertain Significance.

University of Washington Department of Laboratory Medicine, University of Washington
Classification: Likely benign for Hereditary cancer-predisposing syndrome. Last evaluated: 2023-03-23. Review status: criteria provided, single submitter. Criteria: Dines et al. (Genet Med. 2020). Collection method: curation. Allele origin: germline.
Comment: Missense variant in a coldspot region where missense variants are very unlikely to be pathogenic (PMID:31911673).

BRCA1 coldspot (exon 11 using historical exon numbering). Reclassification based on statistical prior probability

Literature cited by the submitters: PubMed 21218378 (cited by Color Diagnostics, LLC DBA Color Health).